The following is an entry in ClinVar:

ClinVar aggregate classification (germline): Pathogenic/Likely pathogenic. Review status: criteria provided, multiple submitters, no conflicts (2 of 4 stars). 3 submissions from 3 submitters: Pathogenic (1); Likely pathogenic (1). 1 of the submissions does not count toward it. Last evaluated 2022-02-05.

Conditions:
Combined oxidative phosphorylation defect type 15. Also called: Combined oxidative phosphorylation deficiency 15. Identifiers: Orphanet 319524, MedGen C4706313, MONDO:0013987, OMIM 614947.

Allele frequency attached by ClinVar (database versions not stated): gnomAD exomes 0.00003 and below 0.00001; TOPMed 0.00001; ExAC 0.00001.
gnomAD v4.1: 39 of 1,613,886 alleles (0.0024%); highest among the groups gnomAD compares: Non-Finnish European, 0.0031%; no homozygotes.

Submissions (3):

Dasa
Classification: Likely pathogenic for Combined oxidative phosphorylation defect type 15. Last evaluated: 2022-02-05. Review status: criteria provided, single submitter. Criteria: ACMG Guidelines, 2015. Collection method: clinical testing. Allele origin: germline. Affected: yes. Observed: 1 variant allele.
Comment: The c.374C>T;p.(Ser125Leu) missense variant has been observed in affected individual(s) and ClinVar contains an entry for this variant (ClinVar: 39829; PMID: 21907147) - PS4_supporting. The variant is present at low allele frequencies population databases (rs397514614 – gnomAD 0.00004013%; ABraOM no frequency) - PM2_supporting. The p.(Ser125Leu) was detected in trans with a pathogenic variant (PMID: 21907147) - PM3_strong. Multiple lines of computational evidence support a deleterious effect on the gene or gene product - PP3. In summary, the currently available evidence indicates that the variant is likely pathogenic.

Baylor Genetics
Classification: Pathogenic for Combined oxidative phosphorylation defect type 15. Last evaluated: 2017-09-01. Review status: criteria provided, single submitter. Criteria: ACMG Guidelines, 2015. Collection method: clinical testing. Allele origin: maternal. Inheritance: Autosomal recessive inheritance. Affected: yes.

OMIM
Classification: Pathogenic for COMBINED OXIDATIVE PHOSPHORYLATION DEFICIENCY 15. Last evaluated: 2011-09-07. Review status: no assertion criteria provided. Collection method: literature only. Allele origin: germline. Not counted in ClinVar's aggregate classification.

Literature cited by the submitters: PubMed 21907147 (cited by 3 submitters); PubMed 25326635 (cited by Baylor Genetics).

NM_139242.4(MTFMT):c.374C>T (p.Ser125Leu)

Gene: MTFMT (mitochondrial methionyl-tRNA formyltransferase; minus strand). Cytogenetic location: 15q22.31.
Variant type: single nucleotide variant.
Coding change: c.374C>T on transcript NM_139242.4 (MANE Select); coding-DNA position 374, C replaced by T.
Protein change: p.Ser125Leu; replaces serine 125 with leucine.
Molecular consequence: missense variant.
Genome position (GRCh38, 1-based): chr15:65,026,876, G>A on the plus strand (C>T on the coding strand, the complement: MTFMT is on the minus strand). VCF-style: chr15-65026876-G-A. GRCh37 (hg19) VCF-style: chr15-65319214-G-A.
Other names: short protein forms S125L.
Identifiers: ClinVar variation 39829 (VCV000039829.6), dbSNP rs397514614, ClinGen allele CA130602.